The following is an entry in ClinVar:

ClinVar aggregate classification (germline): Uncertain significance (1 of 4 stars; one submission).

Submission:

Labcorp Genetics (formerly Invitae), Labcorp
Classification: Uncertain significance. Last evaluated: 2021-12-19. Review status: criteria provided, single submitter. Criteria: Invitae Variant Classification Sherloc (09022015). Collection method: clinical testing. Allele origin: germline.
Comment: In summary, the available evidence is currently insufficient to determine the role of this variant in disease. Therefore, it has been classified as a Variant of Uncertain Significance. Algorithms developed to predict the effect of missense changes on protein structure and function (SIFT, PolyPhen-2, Align-GVGD) all suggest that this variant is likely to be tolerated. This variant has not been reported in the literature in individuals affected with CEP152-related conditions. This variant is not present in population databases (gnomAD no frequency). This sequence change replaces asparagine, which is neutral and polar, with serine, which is neutral and polar, at codon 605 of the CEP152 protein (p.Asn605Ser).

NM_001194998.2(CEP152):c.1814A>G (p.Asn605Ser)

Gene: CEP152 (centrosomal protein 152; minus strand). Cytogenetic location: 15q21.1.
Variant type: single nucleotide variant.
Coding change: c.1814A>G on transcript NM_001194998.2 (MANE Select); coding-DNA position 1814, A replaced by G.
Protein change: p.Asn605Ser; replaces asparagine 605 with serine.
Molecular consequence: missense variant.
Genome position (GRCh38, 1-based): chr15:48,769,050, T>C on the plus strand (A>G on the coding strand, the complement: CEP152 is on the minus strand). VCF-style: chr15-48769050-T-C. GRCh37 (hg19) VCF-style: chr15-49061247-T-C.
Other names: c.1814A>G, p.Asn605Ser (NM_014985.4); short protein forms N605S.
Identifiers: ClinVar variation 1909795 (VCV001909795.5), dbSNP rs2067003008, ClinGen allele CA392350901.